The following is an entry in ClinVar:

ClinVar aggregate classification (germline): Uncertain significance (1 of 4 stars; one submission).

Conditions:
Mucolipidosis type II. Also called: Mucolipidosis 2; ML 2; Inclusion cell disease; Leroy Disease; N-acetylglucosamine 1phosphotransferase deficiency; ML disorder type 2. Identifiers: Orphanet 576, MedGen C2673377, MONDO:0009650, OMIM 252500.
Pseudo-Hurler polydystrophy. Also called: ML IIIA; Mucolipidosis III Alpha/Beta; MUCOLIPIDOSIS IIIA; ML III; ML III ALPHA/BETA; Type III Mucolipidosis. Identifiers: Orphanet 423461, Orphanet 577, MedGen C0033788, MONDO:0018931, OMIM 252600.

gnomAD v4.1: 2 of 1,614,206 alleles (0.00012%); highest among the groups gnomAD compares: Non-Finnish European, 0.00017%; no homozygotes.

Submission:

Labcorp Genetics (formerly Invitae), Labcorp
Classification: Uncertain significance for Pseudo-Hurler polydystrophy; Mucolipidosis type II. Last evaluated: 2023-07-17. Review status: criteria provided, single submitter. Criteria: Invitae Variant Classification Sherloc (09022015). Collection method: clinical testing. Allele origin: germline.
Comment: In summary, the available evidence is currently insufficient to determine the role of this variant in disease. Therefore, it has been classified as a Variant of Uncertain Significance. Advanced modeling of protein sequence and biophysical properties (such as structural, functional, and spatial information, amino acid conservation, physicochemical variation, residue mobility, and thermodynamic stability) has been performed at Invitae for this missense variant, however the output from this modeling did not meet the statistical confidence thresholds required to predict the impact of this variant on GNPTAB protein function. ClinVar contains an entry for this variant (Variation ID: 2167108). This variant has not been reported in the literature in individuals affected with GNPTAB-related conditions. This variant is present in population databases (no rsID available, gnomAD 0.0009%). This sequence change replaces leucine, which is neutral and non-polar, with proline, which is neutral and non-polar, at codon 702 of the GNPTAB protein (p.Leu702Pro).

NM_024312.5(GNPTAB):c.2105T>C (p.Leu702Pro)

Gene: GNPTAB (N-acetylglucosamine-1-phosphate transferase subunits alpha and beta; minus strand). Cytogenetic location: 12q23.2.
Variant type: single nucleotide variant.
Coding change: c.2105T>C on transcript NM_024312.5 (MANE Select); coding-DNA position 2105, T replaced by C.
Protein change: p.Leu702Pro; replaces leucine 702 with proline.
Molecular consequence: missense variant.
Genome position (GRCh38, 1-based): chr12:101,764,812, A>G on the plus strand (T>C on the coding strand, the complement: GNPTAB is on the minus strand). VCF-style: chr12-101764812-A-G. GRCh37 (hg19) VCF-style: chr12-102158590-A-G.
Other names: short protein forms L702P.
Identifiers: ClinVar variation 2167108 (VCV002167108.4), dbSNP rs1368401652, ClinGen allele CA386298984.